The following is an entry in ClinVar:

ClinVar aggregate classification (germline): Uncertain significance (1 of 4 stars; one submission).

Conditions:
Primary ciliary dyskinesia. Also called: Ciliary dyskinesia. Identifiers: Orphanet 244, MedGen C0008780, MONDO:0016575, HP:0012265.

Submission:

Labcorp Genetics (formerly Invitae), Labcorp
Classification: Uncertain significance for Primary ciliary dyskinesia. Last evaluated: 2022-10-05. Review status: criteria provided, single submitter. Criteria: Invitae Variant Classification Sherloc (09022015). Collection method: clinical testing. Allele origin: germline.
Comment: In summary, the available evidence is currently insufficient to determine the role of this variant in disease. Therefore, it has been classified as a Variant of Uncertain Significance. Algorithms developed to predict the effect of sequence changes on RNA splicing suggest that this variant may disrupt the consensus splice site. This variant has not been reported in the literature in individuals affected with DNAAF1-related conditions. This variant is not present in population databases (gnomAD no frequency). This sequence change falls in intron 9 of the DNAAF1 gene. It does not directly change the encoded amino acid sequence of the DNAAF1 protein.

NM_178452.6(DNAAF1):c.1645-5T>C

Gene: DNAAF1 (dynein axonemal assembly factor 1; plus strand). Cytogenetic location: 16q24.1.
Variant type: single nucleotide variant.
Coding change: c.1645-5T>C on transcript NM_178452.6 (MANE Select); 5 bases into the intron before coding-DNA position 1645, T replaced by C.
Molecular consequence: intron variant.
Genome position (GRCh38, 1-based): chr16:84,174,664, T>C. VCF-style: chr16-84174664-T-C. GRCh37 (hg19) VCF-style: chr16-84208270-T-C.
Other names: c.937-5T>C (NM_001318756.1).
Identifiers: ClinVar variation 2062542 (VCV002062542.4), dbSNP rs2507515348, ClinGen allele CA2580092187.